The following is an entry in ClinVar:

ClinVar aggregate classification (germline): Likely pathogenic. Review status: criteria provided, multiple submitters, no conflicts (2 of 4 stars). 4 submissions from 4 submitters: Likely pathogenic (4). Last evaluated 2024-04-10.

Conditions:
Macrothrombocytopenia and granulocyte inclusions with or without nephritis or sensorineural hearing loss (MATINS). Also called: MYH9-Related Disease (MYH9-RD); DOHLE LEUKOCYTE INCLUSIONS WITH GIANT PLATELETS; MACROTHROMBOCYTOPENIA WITH LEUKOCYTE INCLUSIONS; BLEEDING DISORDER, PLATELET-TYPE, 6; MAY-HEGGLIN ANOMALY; SEBASTIAN PLATELET SYNDROME. Identifiers: Orphanet 182050, MedGen C5200934, MONDO:0015912, OMIM 155100.
Autosomal dominant nonsyndromic hearing loss 17. Also called: Deafness, autosomal dominant 17; Autosomal dominant nonsyndromic deafness 17. Identifiers: Orphanet 90635, MedGen C1863659, MONDO:0011350, OMIM 603622.
MYH9-related disorder. Identifiers: MedGen C1854520.

Allele frequency attached by ClinVar (database versions not stated): gnomAD exomes below 0.00001.
gnomAD v4.1: 1 of 1,614,116 alleles (0.000062%); highest among the groups gnomAD compares: Non-Finnish European, 0.000085%; no homozygotes.

Submissions (4):

Fulgent Genetics
Classification: Likely pathogenic for Macrothrombocytopenia and granulocyte inclusions with or without nephritis or sensorineural hearing loss; Autosomal dominant nonsyndromic hearing loss 17. Last evaluated: 2024-04-10. Review status: criteria provided, single submitter. Criteria: ACMG Guidelines, 2015. Collection method: clinical testing. Allele origin: germline.

Women's Health and Genetics/Laboratory Corporation of America, LabCorp
Classification: Likely pathogenic for Macrothrombocytopenia and granulocyte inclusions with or without nephritis or sensorineural hearing loss. Last evaluated: 2022-05-18. Review status: criteria provided, single submitter. Criteria: LabCorp Variant Classification Summary - May 2015. Collection method: clinical testing. Allele origin: germline.
Comment: Variant summary: MYH9 c.4546G>A (p.Val1516Met) results in a conservative amino acid change located in the myosin tail domain (IPR002928) of the encoded protein sequence. Three of five in-silico tools predict a damaging effect of the variant on protein function. The variant was absent in 251328 control chromosomes (gnomAD). c.4546G>A has been reported in the literature in a family where 3 family members were affected with a milder form of the disease, i.e. macrothrombocytopenia and granulocyte inclusions without nephropathy, hearing loss or cataracts (Pecci_2010, Pecci_2014, Verver_2016). Two different missense variants affecting the same amino acid residue (c.4546G>C (p.V1516L) and c.4546G>T (p.V1516L)) have been reported in affected individuals (PMIDs: 24643058, 16818291). These data indicate that the variant may be associated with disease. No clinical diagnostic laboratories have submitted clinical-significance assessments for this variant to ClinVar after 2014. Based on the evidence outlined above, the variant was classified as likely pathogenic.

Blueprint Genetics
Classification: Likely pathogenic for MYH9-related disorders. Last evaluated: 2019-09-05. Review status: criteria provided, single submitter. Criteria: ACMG Guidelines, 2015. Collection method: clinical testing. Allele origin: germline. Affected: yes. Observed: 1 variant allele.

ISTH-SSC Genomics in Thrombosis and Hemostasis, KU Leuven, Center for Molecular and Vascular Biology
Classification: Likely pathogenic for Macrothrombocytopenia and granulocyte inclusions with or without nephritis or sensorineural hearing loss. Review status: criteria provided, single submitter. Criteria: ACMG Guidelines, 2015. Collection method: clinical testing. Allele origin: germline. Affected: yes. Observed: 1 heterozygote.
Comment: Submitted to GoldVariant by Jose María Bastida and José Rivera; Grupo Español de Alteraciones Plaquetarias Congénitas (GEAPC)

Literature cited by the submitters: PubMed 20002731 (cited by Women's Health and Genetics/Laboratory Corporation of America, LabCorp and ISTH-SSC Genomics in Thrombosis and Hemostasis, KU Leuven, Center for Molecular and Vascular Biology); PubMed 29679756 (cited by Women's Health and Genetics/Laboratory Corporation of America, LabCorp); PubMed 24186861 (cited by Women's Health and Genetics/Laboratory Corporation of America, LabCorp); PubMed 26226608 (cited by Women's Health and Genetics/Laboratory Corporation of America, LabCorp); PubMed 31555371 (cited by Women's Health and Genetics/Laboratory Corporation of America, LabCorp).

NM_002473.6(MYH9):c.4546G>A (p.Val1516Met)

Gene: MYH9 (myosin heavy chain 9; minus strand). Cytogenetic location: 22q12.3.
Variant type: single nucleotide variant.
Coding change: c.4546G>A on transcript NM_002473.6 (MANE Select); coding-DNA position 4546, G replaced by A.
Protein change: p.Val1516Met; replaces valine 1516 with methionine.
Molecular consequence: missense variant.
Genome position (GRCh38, 1-based): chr22:36,289,096, C>T on the plus strand (G>A on the coding strand, the complement: MYH9 is on the minus strand). VCF-style: chr22-36289096-C-T. GRCh37 (hg19) VCF-style: chr22-36685142-C-T.
Other names: short protein forms V1516M.
Identifiers: ClinVar variation 1696214 (VCV001696214.5), dbSNP rs727503284, ClinGen allele CA411379606.
Genomic context (GRCh38, chr22:36,289,096, plus strand): 5'-ACCCCACTCGGGCCCTTCCCAAGACCTGGCTGCCAGGCCCAGGACTCACACTCTTGCCCA[C>T]ATCATCCTTGGAGCTCATAAGGTCCTCCATCTCCGTGCGGAACTGCTTGTTGAGCCGCTC-3'
Protein context (NP_002464.1, residues 1506-1526): MEDLMSSKDD[Val1516Met]GKSVHELEKS